The following is an entry in ClinVar:

NM_020810.3(TRMT5):c.318_321del (p.Ser107fs)

Gene: TRMT5 (tRNA methyltransferase 5; minus strand). Cytogenetic location: 14q23.1.
Variant type: Deletion.
Coding change: c.318_321del on transcript NM_020810.3 (MANE Select); coding-DNA positions 318 to 321, 4 bases deleted (CAGT; older notation c.318_321delCAGT).
Protein change: p.Ser107fs; shifts the reading frame from serine 107.
Molecular consequence: frameshift variant.
Genome position (GRCh38, 1-based): chr14:60,979,577-60,979,580, ACTG deleted on the plus strand (CAGT on the coding strand, the reverse complement: TRMT5 is on the minus strand); deleting any 4 consecutive bases within chr14:60,979,577-60,979,583 gives the same sequence; the c. name uses the placement nearest the transcript's 3' end. VCF-style (leftmost placement, unchanged base first): chr14-60979576-TACTG-T. GRCh37 (hg19) VCF-style: chr14-61446294-TACTG-T.
Other names: c.402_405del, p.Ser135fs (NM_001350253.1); c.399_402del, p.Ser134fs (NM_001350254.1); short protein forms S134fs, S135fs, S107fs.
Identifiers: ClinVar variation 1935441 (VCV001935441.4), dbSNP rs1221785713, ClinGen allele CA614734370.

ClinVar aggregate classification (germline): Conflicting classifications of pathogenicity. Review status: criteria provided, conflicting classifications (1 of 4 stars). 2 submissions from 2 submitters: Likely pathogenic (1); Uncertain significance (1). Last evaluated 2026-02-13.

Conditions:
Combined oxidative phosphorylation defect type 26 (PNSED). Also called: Combined oxidative phosphorylation deficiency 26; PERIPHERAL NEUROPATHY WITH VARIABLE SPASTICITY, EXERCISE INTOLERANCE, AND DEVELOPMENTAL DELAY. Identifiers: Orphanet 477684, MedGen C5567741, MONDO:0014684, OMIM 616539.

Submissions (2):

Institute of Immunology and Genetics Kaiserslautern
Classification: Likely pathogenic for Combined oxidative phosphorylation defect type 26. Last evaluated: 2026-02-13. Review status: criteria provided, single submitter. Criteria: ACMG Guidelines, 2015. Collection method: clinical testing. Allele origin: paternal. Affected: yes.
Comment: ACMG Criteria: PVS1, PM2; Variant was found in compound-heterozygous state with TRMT5(NM_020810.3):c.931C>T.

Labcorp Genetics (formerly Invitae), Labcorp
Classification: Uncertain significance. Last evaluated: 2022-08-22. Review status: criteria provided, single submitter. Criteria: Invitae Variant Classification Sherloc (09022015). Collection method: clinical testing. Allele origin: germline.
Comment: This variant is present in population databases (no rsID available, gnomAD 0.002%). In summary, the available evidence is currently insufficient to determine the role of this variant in disease. Therefore, it has been classified as a Variant of Uncertain Significance. This variant has not been reported in the literature in individuals affected with TRMT5-related conditions. This sequence change creates a premature translational stop signal (p.Ser107Asnfs*2) in the TRMT5 gene. It is expected to result in an absent or disrupted protein product. However, the current clinical and genetic evidence is not sufficient to establish whether loss-of-function variants in TRMT5 cause disease.